The following is an entry in ClinVar:

NM_001079537.2(TRAPPC6B):c.87C>T (p.Asn29=)

Gene: TRAPPC6B (trafficking protein particle complex subunit 6B; minus strand). Cytogenetic location: 14q21.1.
Variant type: single nucleotide variant.
Coding change: c.87C>T on transcript NM_001079537.2 (MANE Select); coding-DNA position 87, C replaced by T.
Protein change: p.Asn29=; no amino-acid change (asparagine 29 retained).
Molecular consequence: synonymous variant.
Genome position (GRCh38, 1-based): chr14:39,159,545, G>A on the plus strand (C>T on the coding strand, the complement: TRAPPC6B is on the minus strand). VCF-style: chr14-39159545-G-A. GRCh37 (hg19) VCF-style: chr14-39628749-G-A.
Other names: c.87C>T, p.Asn29= (NM_177452.4); c.87C>T (NM_177452.3).
Identifiers: ClinVar variation 2714949 (VCV002714949.5), dbSNP rs776924678, ClinGen allele CA7162866.

ClinVar aggregate classification (germline): Likely benign. Review status: criteria provided, single submitter (1 of 4 stars). 2 submissions from 2 submitters: Likely benign (1). 1 of the submissions does not count toward it. Last evaluated 2024-10-24.

Conditions:
TRAPPC6B-related disorder. Also called: TRAPPC6B-related condition.

Allele frequency attached by ClinVar (database versions not stated): gnomAD 0.00002; ExAC 0.00004; gnomAD exomes 0.00004; TOPMed 0.00006.
gnomAD v4.1: 58 of 1,599,904 alleles (0.0036%); highest among the groups gnomAD compares: Middle Eastern, 0.017%; no homozygotes.

Submissions (2):

Labcorp Genetics (formerly Invitae), Labcorp
Classification: Likely benign. Last evaluated: 2024-10-24. Review status: criteria provided, single submitter. Criteria: Invitae Variant Classification Sherloc (09022015). Collection method: clinical testing. Allele origin: germline.

PreventionGenetics, part of Exact Sciences
Classification: Likely benign for TRAPPC6B-related condition. Last evaluated: 2019-08-20. Review status: no assertion criteria provided. Collection method: clinical testing. Allele origin: germline. Not counted in ClinVar's aggregate classification.
Comment: This variant is classified as likely benign based on ACMG/AMP sequence variant interpretation guidelines (Richards et al. 2015 PMID: 25741868, with internal and published modifications).